The following is an entry in ClinVar:

ClinVar aggregate classification (germline): Uncertain significance (1 of 4 stars; one submission).

Submission:

Labcorp Genetics (formerly Invitae), Labcorp
Classification: Uncertain significance. Last evaluated: 2023-11-18. Review status: criteria provided, single submitter. Criteria: Invitae Variant Classification Sherloc (09022015). Collection method: clinical testing. Allele origin: germline.
Comment: This sequence change replaces glycine, which is neutral and non-polar, with glutamic acid, which is acidic and polar, at codon 22 of the PSENEN protein (p.Gly22Glu). This variant is not present in population databases (gnomAD no frequency). This variant has not been reported in the literature in individuals affected with PSENEN-related conditions. An algorithm developed to predict the effect of missense changes on protein structure and function (PolyPhen-2) suggests that this variant is likely to be disruptive. In summary, the available evidence is currently insufficient to determine the role of this variant in disease. Therefore, it has been classified as a Variant of Uncertain Significance.

NM_172341.4(PSENEN):c.65G>A (p.Gly22Glu)

Gene: PSENEN (presenilin enhancer, gamma-secretase subunit; plus strand). Cytogenetic location: 19q13.12.
Variant type: single nucleotide variant.
Coding change: c.65G>A on transcript NM_172341.4 (MANE Select); coding-DNA position 65, G replaced by A.
Protein change: p.Gly22Glu; replaces glycine 22 with glutamic acid.
Molecular consequence: missense variant.
Genome position (GRCh38, 1-based): chr19:35,746,422, G>A. VCF-style: chr19-35746422-G-A. GRCh37 (hg19) VCF-style: chr19-36237323-G-A.
Other names: c.65G>A, p.Gly22Glu (NM_001281532.3); short protein forms G22E.
Identifiers: ClinVar variation 2696986 (VCV002696986.3), dbSNP rs2513421094, ClinGen allele CA405461841.